The following is an entry in ClinVar:

ClinVar aggregate classification (germline): Uncertain significance (1 of 4 stars; one submission).

Conditions:
Gastrointestinal stromal tumor. Also called: Gastrointestinal stromal tumor, somatic; Gastrointestinal stroma tumor. Identifiers: Orphanet 44890, MedGen C0238198, MeSH D046152, MONDO:0011719, OMIM 606764, HP:0100723.

Allele frequency attached by ClinVar (database versions not stated): gnomAD exomes below 0.00001.
gnomAD v4.1: 1 of 1,614,062 alleles (0.000062%); highest among the groups gnomAD compares: Non-Finnish European, 0.000085%; no homozygotes.

Submission:

Labcorp Genetics (formerly Invitae), Labcorp
Classification: Uncertain significance for Gastrointestinal stromal tumor. Last evaluated: 2020-08-19. Review status: criteria provided, single submitter. Criteria: Invitae Variant Classification Sherloc (09022015). Collection method: clinical testing. Allele origin: germline.
Comment: In summary, the available evidence is currently insufficient to determine the role of this variant in disease. Therefore, it has been classified as a Variant of Uncertain Significance. This sequence change replaces valine with methionine at codon 488 of the PDGFRA protein (p.Val488Met). The valine residue is highly conserved and there is a small physicochemical difference between valine and methionine. This variant is not present in population databases (ExAC no frequency). This variant has not been reported in the literature in individuals with PDGFRA-related conditions. Algorithms developed to predict the effect of missense changes on protein structure and function are either unavailable or do not agree on the potential impact of this missense change (SIFT: "Deleterious"; PolyPhen-2: "Possibly Damaging"; Align-GVGD: "Class C0").

NM_006206.6(PDGFRA):c.1462G>A (p.Val488Met)

Gene: PDGFRA (platelet derived growth factor receptor alpha; plus strand). Cytogenetic location: 4q12.
Variant type: single nucleotide variant.
Coding change: c.1462G>A on transcript NM_006206.6 (MANE Select); coding-DNA position 1462, G replaced by A.
Protein change: p.Val488Met; replaces valine 488 with methionine.
Molecular consequence: missense variant.
Genome position (GRCh38, 1-based): chr4:54,273,634, G>A. VCF-style: chr4-54273634-G-A. GRCh37 (hg19) VCF-style: chr4-55139801-G-A.
Other names: c.1462G>A, p.Val488Met (NM_001347827.2, NM_001347829.2); c.1537G>A, p.Val513Met (NM_001347828.2); c.1501G>A, p.Val501Met (NM_001347830.2); short protein forms V488M, V501M, V513M.
Identifiers: ClinVar variation 1039290 (VCV001039290.9), dbSNP rs1723536023, ClinGen allele CA356892615.